The following is an entry in ClinVar:

NM_207361.6(FREM2):c.9226C>A (p.Gln3076Lys)

Gene: FREM2 (FRAS1 related extracellular matrix 2; plus strand). Cytogenetic location: 13q13.3.
Variant type: single nucleotide variant.
Coding change: c.9226C>A on transcript NM_207361.6 (MANE Select); coding-DNA position 9226, C replaced by A.
Protein change: p.Gln3076Lys; replaces glutamine 3076 with lysine.
Molecular consequence: missense variant.
Genome position (GRCh38, 1-based): chr13:38,880,503, C>A. VCF-style: chr13-38880503-C-A. GRCh37 (hg19) VCF-style: chr13-39454640-C-A.
Other names: short protein forms Q3076K.
Identifiers: ClinVar variation 1361499 (VCV001361499.3), dbSNP rs748307174, ClinGen allele CA387910834.
Genomic context (GRCh38, chr13:38,880,503, plus strand): 5'-AGGAGCACACCCTCACTGGCATGGGAGATTGGTGCTGAAAACAGTCGAGGAACAAACATC[C>A]AGCACATTGCCCTGGACCGCACCAAGAGGCAGATCCCCCATGGGAGAGCACCTCCAGATG-3'
Protein context (NP_997244.4, residues 3066-3086): GAENSRGTNI[Gln3076Lys]HIALDRTKRQ

ClinVar aggregate classification (germline): Uncertain significance (1 of 4 stars; one submission).

gnomAD v4.1: 2 of 1,614,154 alleles (0.00012%); highest among the groups gnomAD compares: Admixed American, 0.0017%; no homozygotes.

Submission:

Labcorp Genetics (formerly Invitae), Labcorp
Classification: Uncertain significance. Last evaluated: 2022-03-02. Review status: criteria provided, single submitter. Criteria: Invitae Variant Classification Sherloc (09022015). Collection method: clinical testing. Allele origin: germline.
Comment: This sequence change replaces glutamine, which is neutral and polar, with lysine, which is basic and polar, at codon 3076 of the FREM2 protein (p.Gln3076Lys). This variant is present in population databases (no rsID available, gnomAD 0.003%). This variant has not been reported in the literature in individuals affected with FREM2-related conditions. Algorithms developed to predict the effect of missense changes on protein structure and function are either unavailable or do not agree on the potential impact of this missense change (SIFT: "Deleterious"; PolyPhen-2: "Benign"; Align-GVGD: "Class C0"). In summary, the available evidence is currently insufficient to determine the role of this variant in disease. Therefore, it has been classified as a Variant of Uncertain Significance.